The following is an entry in ClinVar:

ClinVar aggregate classification (germline): Uncertain significance (1 of 4 stars; one submission).

Conditions:
Cardiovascular phenotype. Identifiers: MedGen CN230736.

Submission:

Ambry Genetics
Classification: Uncertain significance for Cardiovascular phenotype. Last evaluated: 2023-12-16. Review status: criteria provided, single submitter. Criteria: Ambry Variant Classification Scheme 2023. Collection method: clinical testing. Allele origin: germline.
Comment: The p.H2894P variant (also known as c.8681A>C), located in coding exon 2 of the ZNF469 gene, results from an A to C substitution at nucleotide position 8681. The histidine at codon 2894 is replaced by proline, an amino acid with similar properties. This amino acid position is conserved. In addition, this alteration is predicted to be tolerated by in silico analysis. Since supporting evidence is limited at this time, the clinical significance of this alteration remains unclear.

NM_001367624.2(ZNF469):c.8765A>C (p.His2922Pro)

Gene: ZNF469 (zinc finger protein 469; plus strand). Cytogenetic location: 16q24.2.
Variant type: single nucleotide variant.
Coding change: c.8765A>C on transcript NM_001367624.2 (MANE Select); coding-DNA position 8765, A replaced by C.
Protein change: p.His2922Pro; replaces histidine 2922 with proline.
Molecular consequence: missense variant.
Genome position (GRCh38, 1-based): chr16:88,436,235, A>C. VCF-style: chr16-88436235-A-C. GRCh37 (hg19) VCF-style: chr16-88502643-A-C.
Other names: NM_001127464.1:c.8681A>C; short protein forms H2922P.
Identifiers: ClinVar variation 3232871 (VCV003232871.1), dbSNP rs2507600797, ClinGen allele CA397119380.